The following is an entry in ClinVar:

ClinVar aggregate classification (germline): Pathogenic (1 of 4 stars; one submission).

Conditions:
Familial cancer of breast. Also called: Hereditary breast cancer; BREAST CANCER, FAMILIAL; hereditary breast carcinoma. Identifiers: Orphanet 227535, MedGen C0346153, MONDO:0016419, OMIM 114480. Disease mechanism: loss of function.

Submission:

Labcorp Genetics (formerly Invitae), Labcorp
Classification: Pathogenic for Familial cancer of breast. Last evaluated: 2016-12-20. Review status: criteria provided, single submitter. Criteria: Invitae Variant Classification Sherloc (09022015). Collection method: clinical testing. Allele origin: germline.
Comment: This variant is a gross deletion of the genomic region encompassing exons 3-4 of the CHEK2 gene. This leads to an in-frame deletion, preserving the integrity of the reading frame. Loss-of-function variants in CHEK2, including exon-level deletions, are known to be pathogenic. A deletion of exons 3-4 has been reported in the literature in an individual undergoing hereditary cancer testing (PMID: 24763289). This variant is expected to result in the in-frame deletion of 91 amino acids in the CHEK2 protein (Glu107-Lys197). While this is not anticipated to result in nonsense mediated decay, it will delete the entire forkhead-associated (FHA) domain (residues 115-175) of the CHEK2 protein (PMID: 18004398). The FHA domain has been shown to be important in mediating CHEK2 phosphorylation and dimerization, which are critical for normal CHEK2 functioning (PMID: 11390408, 11053450, 12024051, 18004398). For these reasons, this variant has been classified as Pathogenic.

NC_000022.11:g.(?_28724977)_(28725367_?)del

Gene: CHEK2 (checkpoint kinase 2; minus strand). Cytogenetic location: 22q12.1.
Variant type: Deletion.
Identifiers: ClinVar variation 417607 (VCV000417607.2).